The following is an entry in ClinVar:

NM_139315.3(TAF6):c.1396G>T (p.Ala466Ser)

Genes: AP4M1 (adaptor related protein complex 4 subunit mu 1; plus strand), TAF6 (TATA-box binding protein associated factor 6; minus strand). Cytogenetic location: 7q22.1.
Variant type: single nucleotide variant.
Coding change: c.1396G>T on transcript NM_139315.3 (MANE Select); coding-DNA position 1396, G replaced by T.
Protein change: p.Ala466Ser; replaces alanine 466 with serine.
Molecular consequence: missense variant. On other transcripts: non-coding transcript variant (1), 3 prime UTR variant (2).
Genome position (GRCh38, 1-based): chr7:100,108,429, C>A on the plus strand (G>T on the coding strand, the complement: TAF6 is on the minus strand). VCF-style: chr7-100108429-C-A. GRCh37 (hg19) VCF-style: chr7-99706052-C-A.
Other names: c.1507G>T, p.Ala503Ser (NM_001190415.2); c.1396G>T, p.Ala466Ser (NM_001364998.1, NM_001364999.1, NM_005641.4); c.1366G>T, p.Ala456Ser (NM_001365000.1, NM_001365001.1, NM_001365002.1 and 1 more transcripts); c.1534G>T, p.Ala512Ser (NM_001365004.1); c.*1547C>A (NM_001363671.2, NM_004722.4); short protein forms A503S, A456S, A466S, A512S.
Identifiers: ClinVar variation 786742 (VCV000786742.35), dbSNP rs144875978, ClinGen allele CA4375305.

ClinVar aggregate classification (germline): Conflicting classifications of pathogenicity. Review status: criteria provided, conflicting classifications (1 of 4 stars). 4 submissions from 4 submitters: Uncertain significance (2); Likely benign (1). 1 of the submissions does not count toward it. Last evaluated 2025-10-13.

Conditions:
TAF6-related disorder. Also called: TAF6-related condition.
Intellectual disability. Also called: Intellectual functioning disability; intellectual disabilities; Intellectual developmental disorder. Identifiers: MedGen C3714756, MeSH D008607, MONDO:0001071, HP:0001249.

Allele frequency attached by ClinVar (database versions not stated): ESP Exome Variant Server 0.00208; 1000 Genomes Project 30x 0.00031; 1000 Genomes Project 0.00040; TOPMed 0.00138; gnomAD 0.00147 and 0.00153; gnomAD exomes 0.00170; ExAC 0.00190.
gnomAD v4.1: 4,205 of 1,613,868 alleles (0.26%); highest among the groups gnomAD compares: Non-Finnish European, 0.33%; 11 homozygotes.

Submissions (4):

Labcorp Genetics (formerly Invitae), Labcorp
Classification: Likely benign. Last evaluated: 2025-10-13. Review status: criteria provided, single submitter. Criteria: Invitae Variant Classification Sherloc (09022015). Collection method: clinical testing. Allele origin: germline.

CeGaT Center for Human Genetics Tuebingen
Classification: Uncertain significance. Last evaluated: 2023-07-01. Review status: criteria provided, single submitter. Criteria: CeGaT Center For Human Genetics Tuebingen Variant Classification Criteria Version 2. Collection method: clinical testing. Allele origin: germline. Affected: yes. Observed: 1 variant allele.

Cambridge Genomics Laboratory, East Genomic Laboratory Hub, NHS Genomic Medicine Service
Classification: Uncertain significance for Intellectual disability. Last evaluated: 2020-05-14. Review status: criteria provided, single submitter. Criteria: ACGS Best Practice Guidelines for Variant Classification in Rare Disease 2020. Collection method: clinical testing. Allele origin: germline. Affected: yes. Observed: 1 variant allele.

PreventionGenetics, part of Exact Sciences
Classification: Likely benign for TAF6-related condition. Last evaluated: 2022-04-06. Review status: no assertion criteria provided. Collection method: clinical testing. Allele origin: germline. Not counted in ClinVar's aggregate classification.
Comment: This variant is classified as likely benign based on ACMG/AMP sequence variant interpretation guidelines (Richards et al. 2015 PMID: 25741868, with internal and published modifications).